The following is an entry in ClinVar:

ClinVar aggregate classification (germline): Conflicting classifications of pathogenicity. Review status: criteria provided, conflicting classifications (1 of 4 stars). 2 submissions from 2 submitters: Likely pathogenic (1); Uncertain significance (1). Last evaluated 2023-12-28.

Conditions:
Mucopolysaccharidosis, MPS-IV-A (MPS4A). Also called: Mucopolysaccharidosis type IV A; Mucopolysaccharidosis Type IVA; Morquio syndrome A, mild; MORQUIO SYNDROME A; MPS IVA; mucopolysaccharidosis type 4A. Identifiers: Orphanet 309297, Orphanet 582, MedGen C0086651, MONDO:0009659, OMIM 253000.

Allele frequency attached by ClinVar (database versions not stated): gnomAD 0.00002 and 0.00003; gnomAD exomes 0.00003; ExAC 0.00004; 1000 Genomes Project 30x 0.00016; 1000 Genomes Project 0.00020.
gnomAD v4.1: 17 of 1,557,654 alleles (0.0011%); highest among the groups gnomAD compares: African/African-American, 0.0081%; no homozygotes.

Submissions (2):

Fulgent Genetics
Classification: Likely pathogenic for Mucopolysaccharidosis, MPS-IV-A. Last evaluated: 2023-12-28. Review status: criteria provided, single submitter. Criteria: ACMG Guidelines, 2015. Collection method: clinical testing. Allele origin: germline.

Laboratory of Diagnosis and Therapy of Lysosomal Disorders, University of Padova
Classification: Uncertain significance for Mucopolysaccharidosis, MPS-IV-A. Last evaluated: 2021-02-01. Review status: criteria provided, single submitter. Criteria: ACMG Guidelines, 2015. Collection method: research. Allele origin: germline.
Comment: The prevalence of the variant in affected individuals is significantly increased compared with the prevalence in controls (PS4_supporting); very low frequency in gnomAD v2.1.1 (PM2_moderate)

Literature cited by the submitters: PubMed 32014045 (cited by Laboratory of Diagnosis and Therapy of Lysosomal Disorders, University of Padova); PubMed 34387910 (cited by Laboratory of Diagnosis and Therapy of Lysosomal Disorders, University of Padova).

NM_000512.5(GALNS):c.1496C>T (p.Pro499Leu)

Gene: GALNS (galactosamine (N-acetyl)-6-sulfatase; minus strand). Cytogenetic location: 16q24.3.
Variant type: single nucleotide variant.
Coding change: c.1496C>T on transcript NM_000512.5 (MANE Select); coding-DNA position 1496, C replaced by T.
Protein change: p.Pro499Leu; replaces proline 499 with leucine.
Molecular consequence: missense variant.
Genome position (GRCh38, 1-based): chr16:88,814,512, G>A on the plus strand (C>T on the coding strand, the complement: GALNS is on the minus strand). VCF-style: chr16-88814512-G-A. GRCh37 (hg19) VCF-style: chr16-88880920-G-A.
Other names: c.941C>T, p.Pro314Leu (NM_001323543.2); c.1514C>T, p.Pro505Leu (NM_001323544.2); short protein forms P314L, P499L, P505L.
Identifiers: ClinVar variation 1048340 (VCV001048340.4), dbSNP rs542835085, ClinGen allele CA8234641.